The following is an entry in ClinVar:

ClinVar aggregate classification (germline): Uncertain significance (1 of 4 stars; one submission).

Allele frequency attached by ClinVar (database versions not stated): ExAC 0.00014; 1000 Genomes Project 30x 0.00031; 1000 Genomes Project 0.00040; gnomAD 0.00047; ESP Exome Variant Server 0.00054; TOPMed 0.00057.
gnomAD v4.1: 149 of 1,613,832 alleles (0.0092%); highest among the groups gnomAD compares: African/African-American, 0.17%; no homozygotes.

Submission:

Labcorp Genetics (formerly Invitae), Labcorp
Classification: Uncertain significance. Last evaluated: 2021-09-01. Review status: criteria provided, single submitter. Criteria: Invitae Variant Classification Sherloc (09022015). Collection method: clinical testing. Allele origin: germline.
Comment: This sequence change replaces glycine with alanine at codon 163 of the HJV protein (p.Gly163Ala). The glycine residue is highly conserved and there is a small physicochemical difference between glycine and alanine. This variant is present in population databases (rs141216105, ExAC 0.2%). This variant has not been reported in the literature in individuals affected with HJV-related conditions. Algorithms developed to predict the effect of missense changes on protein structure and function (SIFT, PolyPhen-2, Align-GVGD) all suggest that this variant is likely to be tolerated. In summary, the available evidence is currently insufficient to determine the role of this variant in disease. Therefore, it has been classified as a Variant of Uncertain Significance.

NM_213653.4(HJV):c.488G>C (p.Gly163Ala)

Gene: HJV (hemojuvelin BMP co-receptor; minus strand). Cytogenetic location: 1q21.1.
Variant type: single nucleotide variant.
Coding change: c.488G>C on transcript NM_213653.4 (MANE Select); coding-DNA position 488, G replaced by C.
Protein change: p.Gly163Ala; replaces glycine 163 with alanine.
Molecular consequence: missense variant. On other transcripts: intron variant (3).
Genome position (GRCh38, 1-based): chr1:146,019,344, C>G on the plus strand (G>C on the coding strand, the complement: HJV is on the minus strand). VCF-style: chr1-146019344-C-G. GRCh37 (hg19) VCF-style: chr1-145415669-G-C.
Other names: c.488G>C, p.Gly163Ala (NM_001379352.1); c.149G>C, p.Gly50Ala (NM_145277.5); c.-21-644G>C (NM_213652.4); c.-22+354G>C (NM_202004.4, NM_001316767.2); short protein forms G163A, G50A.
Identifiers: ClinVar variation 2189139 (VCV002189139.1), dbSNP rs141216105, ClinGen allele CA1053833.